The following is an entry in ClinVar:

NM_000059.4(BRCA2):c.5895T>C (p.Leu1965=)

Gene: BRCA2 (BRCA2 DNA repair associated; plus strand). Cytogenetic location: 13q13.1.
Variant type: single nucleotide variant.
Coding change: c.5895T>C on transcript NM_000059.4 (MANE Select); coding-DNA position 5895, T replaced by C.
Protein change: p.Leu1965=; no amino-acid change (leucine 1965 retained).
Molecular consequence: synonymous variant.
Genome position (GRCh38, 1-based): chr13:32,340,250, T>C. VCF-style: chr13-32340250-T-C. GRCh37 (hg19) VCF-style: chr13-32914387-T-C.
Identifiers: ClinVar variation 184463 (VCV000184463.22), dbSNP rs786201478, ClinGen allele CA023345.

ClinVar aggregate classification (germline): Likely benign. Review status: reviewed by expert panel (3 of 4 stars). 6 submissions from 6 submitters: Likely benign (1). 5 of the submissions do not count toward it. Last evaluated 2017-06-29.

Conditions:
BRCA2-related cancer predisposition. Identifiers: MedGen CN377758, MONDO:0700269.
Hereditary cancer-predisposing syndrome. Also called: Tumor predisposition; Hereditary Cancer Syndrome; Hereditary neoplastic syndrome; Neoplastic Syndromes, Hereditary. Identifiers: Orphanet 140162, MedGen C0027672, MeSH D009386, MONDO:0015356.
Hereditary breast ovarian cancer syndrome. Also called: Breast and ovarian cancer; Hereditary breast and ovarian cancer syndrome; Hereditary breast and ovarian cancer; BRCA1- and BRCA2-Associated Hereditary Breast and Ovarian Cancer; Hereditary breast and ovarian cancer syndrome (HBOC); Hereditary breast and/or ovarian cancer syndrome. Identifiers: Orphanet 145, MedGen C0677776, MeSH D061325, MONDO:0003582. Disease mechanism: loss of function.
Breast-ovarian cancer, familial, susceptibility to, 2 (BROVCA2). Also called: BRCA2 Hereditary Breast and Ovarian Cancer. Identifiers: Orphanet 145, MedGen C2675520, MONDO:0012933, OMIM 612555. Disease mechanism: loss of function.

Allele frequency attached by ClinVar (database versions not stated): TOPMed 0.00001.

Submissions (6):

Evidence-based Network for the Interpretation of Germline Mutant Alleles (ENIGMA)
Classification: Likely benign for Breast-ovarian cancer, familial, susceptibility to, 2. Last evaluated: 2017-06-29. Review status: reviewed by expert panel. Criteria: ENIGMA BRCA1/2 Classification Criteria (2017-06-29). Collection method: curation. Allele origin: germline.
Comment: Synonymous substitution variant, with low bioinformatic likelihood to result in a splicing aberration (Splicing prior probability 0.02).

Quest Diagnostics Nichols Institute San Juan Capistrano
Classification: Likely benign. Last evaluated: 2025-10-02. Review status: criteria provided, single submitter. Criteria: Quest Diagnostics criteria. Collection method: clinical testing. Allele origin: unknown. Not counted in ClinVar's aggregate classification.

All of Us Research Program, National Institutes of Health
Classification: Likely benign for BRCA2-related cancer predisposition. Last evaluated: 2024-06-11. Review status: criteria provided, single submitter. Criteria: ACMG Guidelines, 2015. Collection method: clinical testing. Allele origin: germline. Inheritance: Autosomal dominant inheritance. Observed: 1 variant allele, 1 heterozygote. Not counted in ClinVar's aggregate classification.
Comment: This study involves interpretation of variants in research participants for the purpose of population health screening. Participant phenotype was not available at the time of variant classification. Additional details can be found in publication PMID: 35346344, PMCID: PMC8962531

Labcorp Genetics (formerly Invitae), Labcorp
Classification: Likely benign for Hereditary breast ovarian cancer syndrome. Last evaluated: 2024-04-03. Review status: criteria provided, single submitter. Criteria: Invitae Variant Classification Sherloc (09022015). Collection method: clinical testing. Allele origin: germline. Not counted in ClinVar's aggregate classification.

Color Diagnostics, LLC DBA Color Health
Classification: Likely benign for Hereditary cancer-predisposing syndrome. Last evaluated: 2019-04-17. Review status: criteria provided, single submitter. Criteria: ACMG Guidelines, 2015. Collection method: clinical testing. Allele origin: germline. Not counted in ClinVar's aggregate classification.

Ambry Genetics
Classification: Likely benign for Hereditary cancer-predisposing syndrome. Last evaluated: 2016-04-28. Review status: criteria provided, single submitter. Criteria: Ambry Variant Classification Scheme 2023. Collection method: clinical testing. Allele origin: germline. Not counted in ClinVar's aggregate classification.

Literature cited by the submitters: PubMed 32486089 (cited by Quest Diagnostics Nichols Institute San Juan Capistrano).